The following is an entry in ClinVar:

NM_001365536.1(SCN9A):c.4496G>A (p.Arg1499Gln)

Genes: SCN1A-AS1 (SCN1A and SCN9A antisense RNA 1; plus strand), SCN9A (sodium voltage-gated channel alpha subunit 9; minus strand). Cytogenetic location: 2q24.3.
Variant type: single nucleotide variant.
Coding change: c.4496G>A on transcript NM_001365536.1 (MANE Select); coding-DNA position 4496, G replaced by A.
Protein change: p.Arg1499Gln; replaces arginine 1499 with glutamine.
Molecular consequence: missense variant.
Genome position (GRCh38, 1-based): chr2:166,204,367, C>T on the plus strand (G>A on the coding strand, the complement: SCN9A is on the minus strand). VCF-style: chr2-166204367-C-T. GRCh37 (hg19) VCF-style: chr2-167060877-C-T.
Other names: c.4463G>A, p.Arg1488Gln (NM_002977.4); short protein forms R1488Q, R1499Q.
Identifiers: ClinVar variation 641615 (VCV000641615.9), dbSNP rs372320353, ClinGen allele CA1943854.

ClinVar aggregate classification (germline): Uncertain significance (1 of 4 stars; one submission).

Conditions:
Generalized epilepsy with febrile seizures plus, type 7 (GEFSP7). Also called: GEFS+, TYPE 7. Identifiers: Orphanet 36387, MedGen C2751778, MONDO:0013470, OMIM 613863.
Neuropathy, hereditary sensory and autonomic, type 2A (HSAN2A). Also called: HSAN IIA; ACROOSTEOLYSIS, GIACCAI TYPE; ACROOSTEOLYSIS, NEUROGENIC; MORVAN DISEASE; NEUROPATHY, CONGENITAL SENSORY; NEUROPATHY, HEREDITARY SENSORY RADICULAR, AUTOSOMAL RECESSIVE. Identifiers: Orphanet 970, MedGen C2752089, MONDO:0024309, OMIM 201300.

Allele frequency attached by ClinVar (database versions not stated): ExAC 0.00001; gnomAD 0.00001; gnomAD exomes 0.00001; TOPMed 0.00003; ESP Exome Variant Server 0.00008.
gnomAD v4.1: 78 of 1,605,864 alleles (0.0049%); highest among the groups gnomAD compares: Middle Eastern, 0.017%; no homozygotes.

Submission:

Labcorp Genetics (formerly Invitae), Labcorp
Classification: Uncertain significance for Neuropathy, hereditary sensory and autonomic, type 2A; Generalized epilepsy with febrile seizures plus, type 7. Last evaluated: 2025-10-29. Review status: criteria provided, single submitter. Criteria: Invitae Variant Classification Sherloc (09022015). Collection method: clinical testing. Allele origin: germline.
Comment: This sequence change replaces arginine, which is basic and polar, with glutamine, which is neutral and polar, at codon 1488 of the SCN9A protein (p.Arg1488Gln). This variant is present in population databases (rs372320353, gnomAD 0.008%). This variant has not been reported in the literature in individuals affected with SCN9A-related conditions. ClinVar contains an entry for this variant (Variation ID: 641615). Invitae Evidence Modeling of protein sequence and biophysical properties (such as structural, functional, and spatial information, amino acid conservation, physicochemical variation, residue mobility, and thermodynamic stability) has been performed for this missense variant. However, the output from this modeling did not meet the statistical confidence thresholds required to predict the impact of this variant on SCN9A protein function. In summary, the available evidence is currently insufficient to determine the role of this variant in disease. Therefore, it has been classified as a Variant of Uncertain Significance.